The following continues an entry in ClinVar:

NM_002834.5(PTPN11):c.1517A>C (p.Gln506Pro)

Gene: PTPN11. ClinVar aggregate classification (germline): Pathogenic. Pathogenic (1).

Submissions 6 to 18 of 18:

New York Genome Center
Classification: Pathogenic for Noonan syndrome 1. Last evaluated: 2022-09-09. Review status: criteria provided, single submitter. Criteria: NYGC Assertion Criteria 2020. Collection method: clinical testing. Allele origin: de novo. Affected: yes. Observed: 1 heterozygote. Study: PrenatalSEQ. Not counted in ClinVar's aggregate classification.
Comment: The c.1517A>C is a known pathogenic variant that has been reported in multiple unrelated individuals with Noonan spectrum disorders [PMID: 14961557, 15121796,15928039, 15723289, 20954246, 22528600]. This variant is reported as Pathogenic in the ClinVar database by multiple independent laboratories (Variation ID:40563). The c.1517A>C variant is absent from population databases (gnomAD v2.1.1 and v3.1.2, TOPMed Freeze 8), suggesting it is not a common benign variant in the populations represented in those databases. The c.1517A>C variant is located in exon 13 of this 16-exon gene and is predicted to replace an evolutionarily conserved glutamine amino acid with proline at position 506 in the protein-tyrosine phosphatase domain of the encoded protein [PMID: 24628801]. In silico predictions are in favor of damaging effect for p.(Gln506Pro) variant [(CADD v1.6 = 32, REVEL = 0.9)]. Published functional studies have shown reduced catalytic phosphatase activity of protein carrying the p.(Gln506Pro) variant [PMID: 15987685, 24628801, 24935154, 26742426]. Based on available evidence this de novo c.1517A>C p.(Gln506Pro) variant identified in PTPN11 is classified as Pathogenic.

GeneDx
Classification: Pathogenic. Last evaluated: 2022-06-06. Review status: criteria provided, single submitter. Criteria: GeneDx Variant Classification Process June 2021. Collection method: clinical testing. Allele origin: germline. Affected: yes. Not counted in ClinVar's aggregate classification.
Comment: Published functional studies demonstrate p.(Q506P) affects the catalytic phosphatase domain (PTP) of the protein and interferes with its normal phosphatase activity (Qiu et al., 2014; Yu et. al, 2014); The majority of missense variants in this gene are considered pathogenic (HGMD); Located in the critical PTP functional domain and mutational hotspot region (Yu et al. 2014); In silico analysis supports that this missense variant has a deleterious effect on protein structure/function; Not observed at significant frequency in large population cohorts (gnomAD); This variant is associated with the following publications: (PMID: 15121796, 15928039, 16358218, 22528600, 24628801, 14961557, 30508783, 32164556, 14644997, 15987685, 26742426, 24803665, 18470943, 15723289, 20954246, 20301557, 30732632, 31219622, 33240318, 24935154)

Dasa
Classification: Pathogenic for Noonan syndrome. Last evaluated: 2022-03-05. Review status: criteria provided, single submitter. Criteria: ACMG Guidelines, 2015. Collection method: clinical testing. Allele origin: germline. Affected: yes. Observed: 1 variant allele. Not counted in ClinVar's aggregate classification.
Comment: Well-established in vitro or in vivo functional studies supportive of a damaging effect on the gene or gene product (PMID: 15987685; 24935154; 26742426) - PS3.The c.1517A>C;p.(Gln506Pro) missense variant has been observed in affected individual(s) and ClinVar contains an entry for this variant (ClinVar ID: 40563; PMID: 18470943; PMID: 14961557; PMID: 15723289; PMID: 15928039; PMID: 20954246; PMID: 22528600) - PS4. The variant is located in a mutational hot spot and/or critical and well-established functional domain (Y_phosphatase) - PM1. This variant is not present in population databases (rs397507548- gnomAD; ABraOM no frequency) - PM2. Missense variant in PTPN11 that has a low rate of benign missense variation and in which missense variants are a common mechanism of disease - PP2. Multiple lines of computational evidence support a deleterious effect on the gene or gene product - PP3. In summary, the currently available evidence indicates that the variant is pathogenic.

Women's Health and Genetics/Laboratory Corporation of America, LabCorp
Classification: Pathogenic for Rasopathy. Last evaluated: 2020-11-01. Review status: criteria provided, single submitter. Criteria: LabCorp Variant Classification Summary - May 2015. Collection method: clinical testing. Allele origin: germline. Not counted in ClinVar's aggregate classification.
Comment: Variant summary: PTPN11 c.1517A>C (p.Gln506Pro) results in a non-conservative amino acid change located in the Protein-tyrosine phosphatase, catalytic domain (IPR003595) of the encoded protein sequence. Five of five in-silico tools predict a damaging effect of the variant on protein function. The variant was absent in 251492 control chromosomes (gnomAD). c.1517A>C has been reported in the literature in individuals affected with Noonan Syndrome including de novo occurrences (Kratz_2005, Willig_2015, Li_2019, Athota_2020). These data indicate that the variant is likely to be associated with disease. Functional studies report this variant exhibits reduced catalytic activity (Yu_2014, Qiu_2014). Six ClinVar submitters (evaluation after 2014) cite the variant as pathogenic. Based on the evidence outlined above, the variant was classified as pathogenic.

Rady Children's Institute for Genomic Medicine, Rady Children's Hospital San Diego
Classification: Pathogenic for PTPN11-Related Disorders. Last evaluated: 2020-10-28. Review status: criteria provided, single submitter. Criteria: ACMG Guidelines, 2015. Collection method: clinical testing. Allele origin: germline. Affected: yes. Not counted in ClinVar's aggregate classification.
Comment: This variant has been previously reported in several individuals with PTPN11-related disorders (PMID: 14961557, 15928039, 22528600, 30732632, 31219622, 32164556), and it was a de novo change in at least three patients (PMID: 30732632). In-vitro functional assessment of this alteration revealed that it affects the normal phosphatase activity of the protein (PMID: 15987685, 24935154, 24628801). It is absent from the gnomAD population database and thus is presumed to be rare. The c.1529A>C (p.Gln510Pro) variant affects a highly conserved amino acid and is predicted by multiple in silico tools to have a deleterious effect on protein function. Analysis of the parental samples was negative for the variant, indicating this variant likely occurred as a de novo event. Based on the available evidence, the c.1529A>C (p.Gln510Pro) variant is classified as Pathogenic.

Blueprint Genetics
Classification: Pathogenic for PTPN11-related disorders. Last evaluated: 2018-05-02. Review status: criteria provided, single submitter. Criteria: ACMG Guidelines, 2015. Collection method: clinical testing. Allele origin: germline. Affected: yes. Observed: 1 variant allele. Not counted in ClinVar's aggregate classification.

Ambry Genetics
Classification: Pathogenic for Cardiovascular phenotype. Last evaluated: 2016-11-09. Review status: criteria provided, single submitter. Criteria: Ambry Variant Classification Scheme 2023. Collection method: clinical testing. Allele origin: germline. Not counted in ClinVar's aggregate classification.
Comment: The p.Q506P pathogenic mutation (also known as c.1517A>C), located in coding exon 13 of the PTPN11 gene, results from an A to C substitution at nucleotide position 1517. The glutamine at codon 506 is replaced by proline, an amino acid with similar properties. This mutation was first described as a de novo occurrence, paternity not confirmed, in a patient with a clinical diagnosis of Noonan syndrome with multiple lentigines (NSML, referred to as LEOPARD syndrome) including findings of mild hypertelorism, pulmonic stenosis, unilateral sensorineural hearing loss, and mild cognitive impairment (Conti E et al. Hum. Mutat., 2003 Jun;21:654). It has subsequently been reported in additional patients with Noonan syndrome or NSML (Derbent M et al. Am. J. Med. Genet. A, 2010 Nov;152A:2768-74; Piard J et al. Am. J. Med. Genet. A, 2012 Jun;158A:1406-10). Structural and functional studies indicate that this mutation results in a weakened auto-inhibited enzyme conformation leading to prolonged substrate turnover, producing a gain-of-function rasopathy phenotype through sustained activation of the RAS-ERK pathway (Yu ZH et al. Biochemistry, 2014 Jul;53:4136-51). Based on the supporting evidence, this alteration is interpreted as a disease-causing mutation.

Laboratory for Molecular Medicine, Mass General Brigham Personalized Medicine
Classification: Pathogenic for Noonan syndrome with multiple lentigines. Last evaluated: 2015-09-29. Review status: criteria provided, single submitter. Criteria: LMM Criteria. Collection method: clinical testing. Allele origin: germline. Inheritance: Autosomal dominant inheritance. Observed: 1 variant allele. Not counted in ClinVar's aggregate classification.
Comment: proposed classification - variant undergoing re-assessment, contact laboratory

Center for Pediatric Genomic Medicine, Children's Mercy Hospital and Clinics
Classification: Pathogenic. Last evaluated: 2014-05-15. Review status: criteria provided, single submitter. Criteria: ACMG Guidelines, 2015. Collection method: clinical testing. Allele origin: germline. Not counted in ClinVar's aggregate classification.

PreventionGenetics, part of Exact Sciences
Classification: Pathogenic for PTPN11-related condition. Last evaluated: 2024-02-08. Review status: no assertion criteria provided. Collection method: clinical testing. Allele origin: germline. Not counted in ClinVar's aggregate classification.
Comment: The PTPN11 c.1517A>C variant is predicted to result in the amino acid substitution p.Gln506Pro. This variant has been reported in multiple individuals with Noonan syndrome with or without multiple lentigines (see for example - Conti et al. 2003. PubMed ID: 14961557; Athota et al. 2020. PubMed ID: 32164556) and in several of the individuals it was found to be de novo (see for example - Chen et al. 2019. PubMed ID: 30732632). Functional and structural studies found this variant inhibits catalytic activity (Keilhack et al. 2005. PubMed ID: 15987685; Qiu et al. 2014. PubMed ID: 24628801; Yu et al. 2014. PubMed ID: 24935154). This variant has not been reported in a large population database, indicating this variant is rare. This variant is interpreted as pathogenic.

Greenwood Genetic Center Diagnostic Laboratories, Greenwood Genetic Center
Classification: Pathogenic. Last evaluated: 2015-01-15. Review status: no assertion criteria provided. Collection method: clinical testing. Allele origin: germline. Not counted in ClinVar's aggregate classification.

GeneReviews
No classification provided. Condition: LEOPARD syndrome 1. Review status: no classification provided. Collection method: literature only. Allele origin: unknown. Not counted in ClinVar's aggregate classification.

Genetics and Genomics Program, Sidra Medicine
Classification: Likely pathogenic for Isolated congenital long QT syndrome. Review status: no assertion criteria provided. Collection method: research. Allele origin: unknown. Affected: yes. Not counted in ClinVar's aggregate classification.
Comment: The c.1517A>C missense variant in PTPN11 is absent from population databases like gnomAD, indicating rarity (PM2). In silico predictions (SIFT: 0.001) suggest a damaging effect (PP3), and the variant affects a conserved region of the protein (PM1). Based on these factors, the variant is classified as likely pathogenic (ACMG codes: PM1, PM2, PP3, PP5).

Literature cited by the submitters: PubMed 24628801 (cited by 3 submitters); PubMed 24935154 (cited by 6 submitters); PubMed 15987685 (cited by 4 submitters); PubMed 9491886 (cited by Centro Nacional de Genética Medica, Administración Nacional de Laboratorios e Institutos de Salud (ANLIS) “Dr. Carlos G Malbrán”); PubMed 32164556 (cited by Centro Nacional de Genética Medica, Administración Nacional de Laboratorios e Institutos de Salud (ANLIS) “Dr. Carlos G Malbrán” and Women's Health and Genetics/Laboratory Corporation of America, LabCorp); PubMed 15928039 (cited by 6 submitters); PubMed 20954246 (cited by 5 submitters); PubMed 30732632 (cited by Centro Nacional de Genética Medica, Administración Nacional de Laboratorios e Institutos de Salud (ANLIS) “Dr. Carlos G Malbrán”); PubMed 14961557 (cited by 5 submitters); PubMed 15723289 (cited by 3 submitters); PubMed 18470943 (cited by Labcorp Genetics (formerly Invitae), Labcorp and Dasa); PubMed 22528600 (cited by 5 submitters); PubMed 26742426 (cited by Labcorp Genetics (formerly Invitae), Labcorp and Dasa); PubMed 15121796 (cited by New York Genome Center and Laboratory for Molecular Medicine, Mass General Brigham Personalized Medicine); PubMed 31219622 (cited by Women's Health and Genetics/Laboratory Corporation of America, LabCorp); PubMed 25937001 (cited by Women's Health and Genetics/Laboratory Corporation of America, LabCorp); PubMed 14644997 (cited by Laboratory for Molecular Medicine, Mass General Brigham Personalized Medicine); PubMed 16358218 (cited by Laboratory for Molecular Medicine, Mass General Brigham Personalized Medicine); PubMed 20301557 (cited by GeneReviews); NCBI Bookshelf NBK1383 (cited by GeneReviews).